The following is an entry in ClinVar:

NM_144997.7(FLCN):c.584G>A (p.Gly195Glu)

Gene: FLCN (folliculin; minus strand). Cytogenetic location: 17p11.2.
Variant type: single nucleotide variant.
Coding change: c.584G>A on transcript NM_144997.7 (MANE Select); coding-DNA position 584, G replaced by A.
Protein change: p.Gly195Glu; replaces glycine 195 with glutamic acid.
Molecular consequence: missense variant.
Genome position (GRCh38, 1-based): chr17:17,223,956, C>T on the plus strand (G>A on the coding strand, the complement: FLCN is on the minus strand). VCF-style: chr17-17223956-C-T. GRCh37 (hg19) VCF-style: chr17-17127270-C-T.
Other names: c.638G>A, p.Gly213Glu (NM_001353229.2); c.584G>A, p.Gly195Glu (NM_001353230.2, NM_001353231.2, NM_144606.7); short protein forms G195E, G213E.
Identifiers: ClinVar variation 1750070 (VCV001750070.3), dbSNP rs2144972497, ClinGen allele CA398534241.

ClinVar aggregate classification (germline): Uncertain significance (1 of 4 stars; one submission).

Conditions:
Hereditary cancer-predisposing syndrome. Also called: Hereditary Cancer Syndrome; Hereditary neoplastic syndrome; Neoplastic Syndromes, Hereditary; Tumor predisposition. Identifiers: Orphanet 140162, MedGen C0027672, MeSH D009386, MONDO:0015356.

Submission:

Ambry Genetics
Classification: Uncertain significance for Hereditary cancer-predisposing syndrome. Last evaluated: 2024-12-18. Review status: criteria provided, single submitter. Criteria: Ambry Variant Classification Scheme 2023. Collection method: clinical testing. Allele origin: germline.
Comment: The p.G195E variant (also known as c.584G>A), located in coding exon 3 of the FLCN gene, results from a G to A substitution at nucleotide position 584. The glycine at codon 195 is replaced by glutamic acid, an amino acid with similar properties. This amino acid position is not well conserved in available vertebrate species. In addition, the in silico prediction for this alteration is inconclusive. Based on the available evidence, the clinical significance of this variant remains unclear.